The following is an entry in ClinVar:

NC_000015.9:g.(?_77317819)_(77321013_?)del

Gene: PSTPIP1 (proline-serine-threonine phosphatase interacting protein 1; plus strand). Cytogenetic location: 15q24.3.
Variant type: Deletion.
Identifiers: ClinVar variation 1410887 (VCV001410887.4).

ClinVar aggregate classification (germline): Uncertain significance (1 of 4 stars; one submission).

Conditions:
Pyogenic arthritis-pyoderma gangrenosum-acne syndrome (PAPA). Also called: PAPA SYNDROME; FAMILIAL RECURRENT ARTHRITIS. Identifiers: Orphanet 69126, MedGen C1858361, MONDO:0011462, OMIM 604416.

Submission:

Labcorp Genetics (formerly Invitae), Labcorp
Classification: Uncertain significance for Pyogenic arthritis-pyoderma gangrenosum-acne syndrome. Last evaluated: 2021-07-08. Review status: criteria provided, single submitter. Criteria: Invitae Variant Classification Sherloc (09022015). Collection method: clinical testing. Allele origin: germline.
Comment: In summary, the available evidence is currently insufficient to determine the role of this variant in disease. Therefore, it has been classified as a Variant of Uncertain Significance. This variant has not been reported in the literature in individuals affected with PSTPIP1-related conditions. This variant is a gross deletion of the genomic region encompassing exon(s) 5-7 of the PSTPIP1 gene. This deletion is out-of-frame, and is expected to create a premature translational stop signal and result in an absent or disrupted protein product. However, the current clinical and genetic evidence is not sufficient to establish whether loss-of-function variants in PSTPIP1 cause disease.